The following is an entry in ClinVar:

ClinVar aggregate classification (germline): Likely pathogenic. Review status: criteria provided, single submitter (1 of 4 stars). 2 submissions from 2 submitters: Likely pathogenic (1). 1 of the submissions does not count toward it. Last evaluated 2022-08-15.

Conditions:
BBS1-related disorder. Also called: BBS1-related condition.
Bardet-Biedl syndrome (BBS). Identifiers: Orphanet 110, MedGen C0752166, MONDO:0015229.

Submissions (2):

Labcorp Genetics (formerly Invitae), Labcorp
Classification: Likely pathogenic for Bardet-Biedl syndrome. Last evaluated: 2022-08-15. Review status: criteria provided, single submitter. Criteria: Invitae Variant Classification Sherloc (09022015). Collection method: clinical testing. Allele origin: germline.
Comment: This sequence change affects an acceptor splice site in intron 14 of the BBS1 gene. It is expected to disrupt RNA splicing. Variants that disrupt the donor or acceptor splice site typically lead to a loss of protein function (PMID: 16199547), and loss-of-function variants in BBS1 are known to be pathogenic (PMID: 12118255, 21520335, 27032803). This variant is not present in population databases (gnomAD no frequency). Disruption of this splice site has been observed in individual(s) with retinitis pigmentosa (Invitae). ClinVar contains an entry for this variant (Variation ID: 1480484). Algorithms developed to predict the effect of sequence changes on RNA splicing suggest that this variant may disrupt the consensus splice site. In summary, the currently available evidence indicates that the variant is pathogenic, but additional data are needed to prove that conclusively. Therefore, this variant has been classified as Likely Pathogenic.

PreventionGenetics, part of Exact Sciences
Classification: Likely pathogenic for BBS1-related condition. Last evaluated: 2024-05-09. Review status: no assertion criteria provided. Collection method: clinical testing. Allele origin: germline. Not counted in ClinVar's aggregate classification.
Comment: The BBS1 c.1474-1G>A variant is predicted to disrupt the AG splice acceptor site and interfere with normal splicing. This variant has not been observed in the literature or in a large population database, indicating it is rare. An alternative variant affecting the same splice site (c.1474-2A>G) has been reported together with a second BBS1 variant in a patient with retinal dystrophy (Bravo-Gil et al. 2016. PubMed ID: 27032803). Variants that disrupt consensus splice acceptor sites in BBS1 are expected to be pathogenic. This variant is interpreted as likely pathogenic.

Literature cited by the submitters: PubMed 16199547 (cited by Labcorp Genetics (formerly Invitae), Labcorp); PubMed 12118255 (cited by Labcorp Genetics (formerly Invitae), Labcorp); PubMed 21520335 (cited by Labcorp Genetics (formerly Invitae), Labcorp); PubMed 27032803 (cited by Labcorp Genetics (formerly Invitae), Labcorp).

NM_024649.5(BBS1):c.1474-1G>A

Genes: BBS1 (Bardet-Biedl syndrome 1; plus strand), ZDHHC24 (zDHHC palmitoyltransferase 24; minus strand). Cytogenetic location: 11q13.2.
Variant type: single nucleotide variant.
Coding change: c.1474-1G>A on transcript NM_024649.5 (MANE Select); the canonical splice acceptor site of the intron before coding-DNA position 1474, G replaced by A.
Molecular consequence: splice acceptor variant. On other transcripts: intron variant (1).
Genome position (GRCh38, 1-based): chr11:66,530,893, G>A. VCF-style: chr11-66530893-G-A. GRCh37 (hg19) VCF-style: chr11-66298364-G-A.
Other names: c.560-1405C>T (NM_001348571.2).
Identifiers: ClinVar variation 1480484 (VCV001480484.8), dbSNP rs2134836650, ClinGen allele CA381424929.